The following is an entry in ClinVar:

ClinVar aggregate classification (germline): Conflicting classifications of pathogenicity. Review status: criteria provided, conflicting classifications (1 of 4 stars). 5 submissions from 5 submitters: Uncertain significance (4); Likely benign (1). Last evaluated 2026-01-16.

Conditions:
TTN-related disorder. Also called: TTN-related condition; TTN-related disease; TTN-related disorders.
Autosomal recessive limb-girdle muscular dystrophy type 2J (LGMDR10). Also called: MUSCULAR DYSTROPHY, LIMB-GIRDLE, AUTOSOMAL RECESSIVE 10; Limb-girdle muscular dystrophy, type 2J. Identifiers: Orphanet 140922, MedGen C1837342, MONDO:0012127, OMIM 608807.
Dilated cardiomyopathy 1G (CMD1G). Identifiers: Orphanet 154, MedGen C1858763, MONDO:0011400, OMIM 604145.

Allele frequency attached by ClinVar (database versions not stated): gnomAD exomes 0.00001 and 0.00002; ExAC 0.00004; gnomAD 0.00012 and 0.00013; TOPMed 0.00035; 1000 Genomes Project 0.00040; 1000 Genomes Project 30x 0.00047.
gnomAD v4.1: 37 of 1,536,484 alleles (0.0024%); highest among the groups gnomAD compares: Admixed American, 0.059%; 2 homozygotes.

Submissions (5):

PreventionGenetics, part of Exact Sciences
Classification: Uncertain significance for TTN-related condition. Last evaluated: 2026-01-16. Review status: criteria provided, single submitter. Criteria: ACMG Guidelines, 2015. Collection method: clinical testing. Allele origin: germline.
Comment: The TTN c.30811A>G variant is predicted to result in the amino acid substitution p.Ile10271Val. To our knowledge, this variant has not been reported in the literature. This variant is reported in 0.015% of alleles in individuals of Latino descent in gnomAD. At this time, the clinical significance of this variant is uncertain due to the absence of conclusive functional and genetic evidence.

Revvity Omics, Revvity
Classification: Uncertain significance. Last evaluated: 2025-03-18. Review status: criteria provided, single submitter. Criteria: ACMG Guidelines, 2015. Collection method: clinical testing. Allele origin: germline.

GeneDx
Classification: Likely benign. Last evaluated: 2020-05-18. Review status: criteria provided, single submitter. Criteria: GeneDx Variant Classification Process June 2021. Collection method: clinical testing. Allele origin: germline. Affected: yes.

Eurofins Ntd Llc (ga)
Classification: Uncertain significance. Last evaluated: 2017-07-27. Review status: criteria provided, single submitter. Criteria: EGL Classification Definitions 2015. Collection method: clinical testing. Allele origin: germline. Observed: 2 variant alleles, 2 heterozygotes.

Labcorp Genetics (formerly Invitae), Labcorp
Classification: Uncertain significance for Dilated cardiomyopathy 1G; Autosomal recessive limb-girdle muscular dystrophy type 2J. Last evaluated: 2016-02-14. Review status: criteria provided, single submitter. Criteria: Invitae Variant Classification Sherloc (09022015). Collection method: clinical testing. Allele origin: germline.

NM_001267550.2(TTN):c.30811A>G (p.Ile10271Val)

Gene: TTN (titin; minus strand). Cytogenetic location: 2q31.2.
Variant type: single nucleotide variant.
Coding change: c.30811A>G on transcript NM_001267550.2 (MANE Select); coding-DNA position 30811, A replaced by G.
Protein change: p.Ile10271Val; replaces isoleucine 10271 with valine.
Molecular consequence: missense variant. On other transcripts: intron variant (3).
Genome position (GRCh38, 1-based): chr2:178,696,261, T>C on the plus strand (A>G on the coding strand, the complement: TTN is on the minus strand). VCF-style: chr2-178696261-T-C. GRCh37 (hg19) VCF-style: chr2-179560988-T-C.
Other names: c.29860A>G, p.Ile9954Val (NM_001256850.1); c.27079A>G, p.Ile9027Val (NM_133378.4); c.13282+41821A>G (NM_003319.4); c.13858+41821A>G (NM_133437.4); c.13657+41821A>G (NM_133432.3); short protein forms I10271V, I9027V, I9954V.
Identifiers: ClinVar variation 238739 (VCV000238739.14), dbSNP rs182720979, ClinGen allele CA1999029.
Genomic context (GRCh38, chr2:178,696,261, plus strand): 5'-CTTTCTTTCTGGTTATAGTCATTATTTTTACTTCTTCAGCTTTAGAGGATACATCAATGA[T>C]TTCAGGAGCTAAAATAGATAAAGATACTATTAGCATATTAATTCTATCCATCCAACTGCT-3'
Protein context (NP_001254479.2, residues 10261-10281): TTLIPAKAPE[Ile10271Val]IDVSSKAEEV